The following is an entry in ClinVar:

ClinVar aggregate classification (germline): Uncertain significance (1 of 4 stars; one submission).

Submission:

GeneDx
Classification: Uncertain significance. Last evaluated: 2025-02-21. Review status: criteria provided, single submitter. Criteria: GeneDx Variant Classification Process June 2021. Collection method: clinical testing. Allele origin: germline. Affected: yes.
Comment: Not observed at significant frequency in large population cohorts (gnomAD); In silico analysis supports that this missense variant has a deleterious effect on protein structure/function; Has not been previously published as pathogenic or benign to our knowledge

NM_001001331.4(ATP2B2):c.1613T>A (p.Leu538Gln)

Gene: ATP2B2 (ATPase plasma membrane Ca2+ transporting 2; minus strand). Cytogenetic location: 3p25.3.
Variant type: single nucleotide variant.
Coding change: c.1613T>A on transcript NM_001001331.4 (MANE Select); coding-DNA position 1613, T replaced by A.
Protein change: p.Leu538Gln; replaces leucine 538 with glutamine.
Molecular consequence: missense variant.
Genome position (GRCh38, 1-based): chr3:10,371,855, A>T on the plus strand (T>A on the coding strand, the complement: ATP2B2 is on the minus strand). VCF-style: chr3-10371855-A-T. GRCh37 (hg19) VCF-style: chr3-10413539-A-T.
Other names: c.1478T>A, p.Leu493Gln (NM_001330611.3, NM_001353564.1, NM_001363862.1 and 1 more transcripts); short protein forms L493Q, L538Q.
Identifiers: ClinVar variation 2582182 (VCV002582182.2), dbSNP rs2470388304, ClinGen allele CA351783269.
Genomic context (GRCh38, chr3:10,371,855, plus strand): 5'-TGGTCCACACTTACCAGAATCTTGGTGGTGTAGGCGCTGTTGATGGCGATGGCATTGATC[A>T]GCAGCTCCATGGTCTTGGTGTTGATGGAGCTGGGGTCGGGGATCTCTTTATAGTGGACGT-3'
Protein context (NP_001001331.1, residues 528-548): SSINTKTMEL[Leu538Gln]INAIAINSAY